The following is an entry in ClinVar:

ClinVar aggregate classification (germline): Uncertain significance (1 of 4 stars; one submission).

Conditions:
Global developmental delay with speech and behavioral abnormalities. Identifiers: MedGen C5543226, MONDO:0030995, OMIM 619243.

Submission:

Neuberg Centre For Genomic Medicine, NCGM
Classification: Uncertain significance for Global developmental delay with speech and behavioral abnormalities. Review status: criteria provided, single submitter. Criteria: ACMG Guidelines, 2015. Collection method: clinical testing. Allele origin: germline. Inheritance: Autosomal dominant inheritance. Affected: yes.
Comment: The frame shift (c.5298del) variant has not been reported previously as a pathogenic variant nor as a benign variant, to our knowledge. The p.Phe1766LeufsTer89 variant is novel (not in any individuals) in gnomAD Exomes and 1000 Genomes. This variant causes a frameshift starting with codon Phenylalanine 1766, changes this amino acid to Leucine residue, and creates a premature Stop codon at position 89 of the new reading frame, denoted p.Phe1766LeufsTer89. Loss of function variants have been previously reported to be disease causing. However this variant is present in the last exon, functional studies will be required to prove protein truncation. Hence the variant is classified as Uncertain Significance (VUS).

NM_001162501.2(TNRC6B):c.5298del (p.Phe1766fs)

Gene: TNRC6B (trinucleotide repeat containing adaptor 6B; plus strand). Cytogenetic location: 22q13.1.
Variant type: Deletion.
Coding change: c.5298del on transcript NM_001162501.2 (MANE Select); coding-DNA position 5298, one base deleted (T; older notation c.5298delT).
Protein change: p.Phe1766fs; shifts the reading frame from phenylalanine 1766.
Molecular consequence: frameshift variant.
Genome position (GRCh38, 1-based): chr22:40,323,037, T deleted; the last of 5 consecutive T bases (chr22:40,323,033-40,323,037); deleting any one gives the same sequence. VCF-style (leftmost placement, unchanged base first): chr22-40323032-CT-C. GRCh37 (hg19) VCF-style: chr22-40719036-CT-C.
Other names: c.2886del, p.Phe962fs (NM_001024843.2); c.4968del, p.Phe1656fs (NM_015088.3); short protein forms F1656fs, F1766fs, F962fs.
Identifiers: ClinVar variation 2585619 (VCV002585619.1), dbSNP rs2518055560, ClinGen allele CA2582342825.